The following is an entry in ClinVar:

NM_004656.4(BAP1):c.106C>A (p.Gln36Lys)

Gene: BAP1 (BRCA1 associated deubiquitinase 1; minus strand). Cytogenetic location: 3p21.1.
Variant type: single nucleotide variant.
Coding change: c.106C>A on transcript NM_004656.4 (MANE Select); coding-DNA position 106, C replaced by A.
Protein change: p.Gln36Lys; replaces glutamine 36 with lysine.
Molecular consequence: missense variant.
Genome position (GRCh38, 1-based): chr3:52,409,570, G>T on the plus strand (C>A on the coding strand, the complement: BAP1 is on the minus strand). VCF-style: chr3-52409570-G-T. GRCh37 (hg19) VCF-style: chr3-52443586-G-T.
Other names: short protein forms Q36K.
Identifiers: ClinVar variation 1451099 (VCV001451099.6), dbSNP rs2153228522, ClinGen allele CA353114566.

ClinVar aggregate classification (germline): Uncertain significance (1 of 4 stars; one submission).

Conditions:
BAP1-related tumor predisposition syndrome (TPDS1). Also called: COMMON Syndrome; TUMOR PREDISPOSITION SYNDROME 1; BAP1 tumor predisposition syndrome; Tumor susceptibility linked to germline BAP1 mutations. Identifiers: Orphanet 289539, MedGen C3280492, MONDO:0013692, OMIM 614327.

Submission:

Labcorp Genetics (formerly Invitae), Labcorp
Classification: Uncertain significance for BAP1-related tumor predisposition syndrome. Last evaluated: 2023-07-10. Review status: criteria provided, single submitter. Criteria: Invitae Variant Classification Sherloc (09022015). Collection method: clinical testing. Allele origin: germline.
Comment: ClinVar contains an entry for this variant (Variation ID: 1451099). This variant has not been reported in the literature in individuals affected with BAP1-related conditions. This variant is not present in population databases (gnomAD no frequency). This sequence change replaces glutamine, which is neutral and polar, with lysine, which is basic and polar, at codon 36 of the BAP1 protein (p.Gln36Lys). Advanced modeling of protein sequence and biophysical properties (such as structural, functional, and spatial information, amino acid conservation, physicochemical variation, residue mobility, and thermodynamic stability) has been performed at Invitae for this missense variant, however the output from this modeling did not meet the statistical confidence thresholds required to predict the impact of this variant on BAP1 protein function. In summary, the available evidence is currently insufficient to determine the role of this variant in disease. Therefore, it has been classified as a Variant of Uncertain Significance.